The following is an entry in ClinVar:

NM_005609.4(PYGM):c.2373G>T (p.Leu791Phe)

Gene: PYGM (glycogen phosphorylase, muscle associated; minus strand). Cytogenetic location: 11q13.1.
Variant type: single nucleotide variant.
Coding change: c.2373G>T on transcript NM_005609.4 (MANE Select); coding-DNA position 2373, G replaced by T.
Protein change: p.Leu791Phe; replaces leucine 791 with phenylalanine.
Molecular consequence: missense variant.
Genome position (GRCh38, 1-based): chr11:64,746,927, C>A on the plus strand (G>T on the coding strand, the complement: PYGM is on the minus strand). VCF-style: chr11-64746927-C-A. GRCh37 (hg19) VCF-style: chr11-64514399-C-A.
Other names: c.2109G>T, p.Leu703Phe (NM_001164716.1); short protein forms L703F, L791F.
Identifiers: ClinVar variation 1036835 (VCV001036835.7), dbSNP rs2058315104, ClinGen allele CA381164151.

ClinVar aggregate classification (germline): Uncertain significance (1 of 4 stars; one submission).

Conditions:
Glycogen storage disease, type V (GSD5). Also called: PYGM DEFICIENCY; MCARDLE DISEASE; MUSCLE GLYCOGEN PHOSPHORYLASE DEFICIENCY; MYOPHOSPHORYLASE DEFICIENCY; McArdle type glycogen storage disease. Identifiers: Orphanet 368, MedGen C0017924, MONDO:0009293, OMIM 232600.

Submission:

Labcorp Genetics (formerly Invitae), Labcorp
Classification: Uncertain significance for Glycogen storage disease, type V. Last evaluated: 2020-01-30. Review status: criteria provided, single submitter. Criteria: Invitae Variant Classification Sherloc (09022015). Collection method: clinical testing. Allele origin: germline.
Comment: In summary, the available evidence is currently insufficient to determine the role of this variant in disease. Therefore, it has been classified as a Variant of Uncertain Significance. Algorithms developed to predict the effect of missense changes on protein structure and function are either unavailable or do not agree on the potential impact of this missense change (SIFT: "Not Available"; PolyPhen-2: "Possibly Damaging"; Align-GVGD: "Not Available"). This variant has not been reported in the literature in individuals with PYGM-related conditions. This variant is not present in population databases (ExAC no frequency). This sequence change replaces leucine with phenylalanine at codon 791 of the PYGM protein (p.Leu791Phe). The leucine residue is moderately conserved and there is a small physicochemical difference between leucine with phenylalanine.